The following is an entry in ClinVar:

NC_000006.11:g.(?_66053911)_(66054090_?)del

Gene: EYS (eyes shut homolog; minus strand). Cytogenetic location: 6q12.
Variant type: Deletion.
Identifiers: ClinVar variation 2423866 (VCV002423866.3).

ClinVar aggregate classification (germline): Pathogenic (1 of 4 stars; one submission).

Submission:

Labcorp Genetics (formerly Invitae), Labcorp
Classification: Pathogenic. Last evaluated: 2022-06-13. Review status: criteria provided, single submitter. Criteria: Invitae Variant Classification Sherloc (09022015). Collection method: clinical testing. Allele origin: germline.
Comment: This variant is a gross deletion of the genomic region encompassing exon(s) 10 of the EYS gene. This deletion is out-of-frame, and is expected to create a premature termination codon and result in an absent or disrupted protein product. Loss-of-function variants in EYS are known to be pathogenic (PMID: 18836446, 20333770). This variant has not been reported in the literature in individuals affected with EYS-related conditions. For these reasons, this variant has been classified as Pathogenic.

Literature cited by the submitters: PubMed 18836446; PubMed 20333770.